The following is an entry in ClinVar:

NM_001377540.1(SLMAP):c.626A>G (p.Asp209Gly)

Gene: SLMAP (sarcolemma associated protein; plus strand). Cytogenetic location: 3p14.3.
Variant type: single nucleotide variant.
Coding change: c.626A>G on transcript NM_001377540.1 (MANE Select); coding-DNA position 626, A replaced by G.
Protein change: p.Asp209Gly; replaces aspartic acid 209 with glycine.
Molecular consequence: missense variant. On other transcripts: non-coding transcript variant (1).
Genome position (GRCh38, 1-based): chr3:57,858,098, A>G. VCF-style: chr3-57858098-A-G. GRCh37 (hg19) VCF-style: chr3-57843825-A-G.
Other names: c.626A>G, p.Asp209Gly (NM_001304420.3, NM_001304421.2, NM_001377538.1 and 17 more transcripts); short protein forms D209G.
Identifiers: ClinVar variation 2064697 (VCV002064697.5), dbSNP rs374168256, ClinGen allele CA2466891.
Genomic context (GRCh38, chr3:57,858,098, plus strand): 5'-TGACTTTATAATTACTCGGGTTTTACTTACATTTAATTTTTCTTCAATAGGCTTTAATAG[A>G]TGAAGATAGACTCTTATCACGGTTAGAAGTTATGGGAAACCAATTACAGGCATGCTCCAA-3'
Protein context (NP_001364469.1, residues 199-219): ASDTSWQALI[Asp209Gly]EDRLLSRLEV

ClinVar aggregate classification (germline): Uncertain significance. Review status: criteria provided, multiple submitters, no conflicts (2 of 4 stars). 2 submissions from 2 submitters: Uncertain significance (2). Last evaluated 2022-12-01.

Conditions:
Brugada syndrome. Also called: Sudden unexpected nocturnal death syndrome; Sudden unexplained nocturnal death syndrome; Sudden Unexplained Death Syndrome; Sudden Unexplained Nocturnal Death Syndrome (SUNDS). Identifiers: Orphanet 130, MedGen C1142166, MONDO:0015263.

Allele frequency attached by ClinVar (database versions not stated): gnomAD exomes below 0.00001; ExAC 0.00001; ESP Exome Variant Server 0.00008.
gnomAD v4.1: 1 of 1,585,298 alleles (0.000063%); highest among the groups gnomAD compares: Admixed American, 0.0017%; no homozygotes.

Submissions (2):

Ambry Genetics
Classification: Uncertain significance. Last evaluated: 2022-12-01. Review status: criteria provided, single submitter. Criteria: Ambry Variant Classification Scheme 2023. Collection method: clinical testing. Allele origin: germline.

Labcorp Genetics (formerly Invitae), Labcorp
Classification: Uncertain significance for Brugada syndrome. Last evaluated: 2022-03-10. Review status: criteria provided, single submitter. Criteria: Invitae Variant Classification Sherloc (09022015). Collection method: clinical testing. Allele origin: germline.
Comment: In summary, the available evidence is currently insufficient to determine the role of this variant in disease. Therefore, it has been classified as a Variant of Uncertain Significance. Algorithms developed to predict the effect of missense changes on protein structure and function are either unavailable or do not agree on the potential impact of this missense change (SIFT: "Tolerated"; PolyPhen-2: "Probably Damaging"; Align-GVGD: "Class C0"). This variant has not been reported in the literature in individuals affected with SLMAP-related conditions. This variant is present in population databases (rs374168256, gnomAD 0.0009%). This sequence change replaces aspartic acid, which is acidic and polar, with glycine, which is neutral and non-polar, at codon 209 of the SLMAP protein (p.Asp209Gly).